The following is an entry in ClinVar:

ClinVar aggregate classification (germline): Likely benign (1 of 4 stars; one submission).

gnomAD v4.1: 3 of 1,614,158 alleles (0.00019%); no homozygotes.

Submission:

CeGaT Center for Human Genetics Tuebingen
Classification: Likely benign. Last evaluated: 2023-05-01. Review status: criteria provided, single submitter. Criteria: CeGaT Center For Human Genetics Tuebingen Variant Classification Criteria Version 2. Collection method: clinical testing. Allele origin: germline. Affected: yes. Observed: 1 variant allele.
Comment: MYLK: BP4, BP7

NM_053025.4(MYLK):c.600A>C (p.Pro200=)

Gene: MYLK (myosin light chain kinase; minus strand). Cytogenetic location: 3q21.1.
Variant type: single nucleotide variant.
Coding change: c.600A>C on transcript NM_053025.4 (MANE Select); coding-DNA position 600, A replaced by C.
Protein change: p.Pro200=; no amino-acid change (proline 200 retained).
Molecular consequence: synonymous variant.
Genome position (GRCh38, 1-based): chr3:123,737,532, T>G on the plus strand (A>C on the coding strand, the complement: MYLK is on the minus strand). VCF-style: chr3-123737532-T-G. GRCh37 (hg19) VCF-style: chr3-123456379-T-G.
Other names: c.72A>C, p.Pro24= (NM_001321309.2); c.600A>C, p.Pro200= (NM_053026.4, NM_053027.4, NM_053028.4).
Identifiers: ClinVar variation 2654083 (VCV002654083.24), dbSNP rs1364149793, ClinGen allele CA435307244.